The following is an entry in ClinVar:

ClinVar aggregate classification (germline): Pathogenic/Likely pathogenic. Review status: criteria provided, multiple submitters, no conflicts (2 of 4 stars). 3 submissions from 3 submitters: Pathogenic (1); Likely pathogenic (1). 1 of the submissions does not count toward it. Last evaluated 2025-01-06.

Conditions:
Cardiomyopathy (CMYO). Also called: Cardiomyopathies. Identifiers: Orphanet 167848, MedGen C0878544, MONDO:0004994, HP:0001638. Inheritance: Various modes of inheritance.
Arrhythmogenic cardiomyopathy with wooly hair and keratoderma. Also called: PALMOPLANTAR KERATODERMA WITH LEFT VENTRICULAR CARDIOMYOPATHY AND WOOLLY HAIR; Carvajal syndrome; Dilated cardiomyopathy with woolly hair and keratoderma; Arrhythmogenic cardiomyopathy with woolly hair and keratoderma. Identifiers: Orphanet 65282, MedGen C1854063, MONDO:0011581, OMIM 605676.

Submissions (3):

Color Diagnostics, LLC DBA Color Health
Classification: Pathogenic for Cardiomyopathy. Last evaluated: 2025-01-06. Review status: criteria provided, single submitter. Criteria: ACMG Guidelines, 2015. Collection method: clinical testing. Allele origin: germline.
Comment: This variant deletes 13 nucleotides in exon 23/24 of the DSP gene, creating a frameshift and premature translation stop signal. This variant is expected to result in an absent or non-functional protein product. This variant has been reported in compound heterozygosity with c.6310delA deletion in an individual presenting with skin fragility, palmoplantar keratoderma, alopecia and cardiomyopathy (PMID: 24341478). This variant has not been identified in the general population by the Genome Aggregation Database (gnomAD). Loss of DSP function is a known mechanism of disease. Based on the available evidence, this variant is classified as Pathogenic.

Clinical Genetics Laboratory, Skane University Hospital Lund
Classification: Likely pathogenic. Last evaluated: 2023-05-24. Review status: criteria provided, single submitter. Criteria: ACMG Guidelines, 2015. Collection method: clinical testing. Allele origin: germline. Affected: yes.

OMIM
Classification: Pathogenic for CARDIOMYOPATHY, DILATED, WITH WOOLLY HAIR AND KERATODERMA. Last evaluated: 2023-06-12. Review status: no assertion criteria provided. Collection method: literature only. Allele origin: germline. Not counted in ClinVar's aggregate classification.

Literature cited by the submitters: PubMed 24341478 (cited by Color Diagnostics, LLC DBA Color Health and OMIM).

NM_004415.4(DSP):c.4778_4790del (p.Lys1593fs)

Gene: DSP (desmoplakin; plus strand). Cytogenetic location: 6p24.3.
Variant type: Deletion.
Coding change: c.4778_4790del on transcript NM_004415.4 (MANE Select); coding-DNA positions 4778 to 4790, 13 bases deleted (AGCTGGAGGAAGA).
Protein change: p.Lys1593fs; shifts the reading frame from lysine 1593.
Molecular consequence: frameshift variant. On other transcripts: intron variant (2).
Genome position (GRCh38, 1-based): chr6:7,580,968-7,580,980, AGCTGGAGGAAGA deleted; deleting any 13 consecutive bases within chr6:7,580,960-7,580,980 gives the same sequence; the c. name uses the placement nearest the transcript's 3' end. VCF-style (leftmost placement, unchanged base first): chr6-7580959-AGAGGAAGAAGCTG-A. GRCh37 (hg19) VCF-style: chr6-7581192-AGAGGAAGAAGCTG-A.
Other names: c.4050+728_4050+740del (NM_001319034.2); c.3582+1196_3582+1208del (NM_001008844.3); short protein forms K1593fs.
Identifiers: ClinVar variation 2505062 (VCV002505062.3), dbSNP rs2533930254, ClinGen allele CA658820672.